The following is an entry in ClinVar:

ClinVar aggregate classification (germline): Uncertain significance (1 of 4 stars; one submission).

Submission:

Labcorp Genetics (formerly Invitae), Labcorp
Classification: Uncertain significance. Last evaluated: 2025-11-03. Review status: criteria provided, single submitter. Criteria: Invitae Variant Classification Sherloc (09022015). Collection method: clinical testing. Allele origin: germline.
Comment: This variant, c.3855_3878dup, results in the insertion of 8 amino acid(s) of the BRD4 protein (p.Arg1290_Gln1297dup), but otherwise preserves the integrity of the reading frame. The frequency data for this variant in the population databases is considered unreliable, as metrics indicate poor data quality at this position in the gnomAD database. This variant has not been reported in the literature in individuals affected with BRD4-related conditions. ClinVar contains an entry for this variant (Variation ID: 2001693). In summary, the available evidence is currently insufficient to determine the role of this variant in disease. Therefore, it has been classified as a Variant of Uncertain Significance.

NM_001379291.1(BRD4):c.3855_3878dup (p.Gln1297_Gln1298insArgGlnGluGlnGlnGlnGlnGln)

Gene: BRD4 (bromodomain containing 4; minus strand). Cytogenetic location: 19p13.12.
Variant type: Duplication.
Coding change: c.3855_3878dup on transcript NM_001379291.1 (MANE Select); coding-DNA positions 3855 to 3878, 24 bases duplicated (GCAGCAGCAGCAGCGCCAGGAGCA).
Protein change: p.Gln1297_Gln1298insArgGlnGluGlnGlnGlnGlnGln.
Molecular consequence: inframe insertion.
Genome position (GRCh38, 1-based): chr19:15,238,885-15,238,908, TGCTCCTGGCGCTGCTGCTGCTGC duplicated on the plus strand (GCAGCAGCAGCAGCGCCAGGAGCA on the coding strand, the reverse complement: BRD4 is on the minus strand); duplicating any 24 consecutive bases within chr19:15,238,885-15,238,920 gives the same sequence; the c. name uses the placement nearest the transcript's 3' end. VCF-style (leftmost placement, unchanged base first): chr19-15238884-T-TTGCTCCTGGCGCTGCTGCTGCTGC. GRCh37 (hg19) VCF-style: chr19-15349695-T-TTGCTCCTGGCGCTGCTGCTGCTGC.
Other names: c.3855_3878dup, p.Gln1297_Gln1298insArgGlnGluGlnGlnGlnGlnGln (NM_058243.3).
Identifiers: ClinVar variation 2001693 (VCV002001693.4), dbSNP rs773962633, ClinGen allele CA9264502.